The following is an entry in ClinVar:

NM_004531.5(MOCS2):c.550T>G (p.Trp184Gly)

Gene: MOCS2 (molybdenum cofactor synthesis 2; minus strand). Cytogenetic location: 5q11.2.
Variant type: single nucleotide variant.
Coding change: c.550T>G on transcript NM_004531.5 (MANE Select); coding-DNA position 550, T replaced by G.
Protein change: p.Trp184Gly; replaces tryptophan 184 with glycine.
Molecular consequence: missense variant. On other transcripts: 3 prime UTR variant (1).
Genome position (GRCh38, 1-based): chr5:53,098,619, A>C on the plus strand (T>G on the coding strand, the complement: MOCS2 is on the minus strand). VCF-style: chr5-53098619-A-C. GRCh37 (hg19) VCF-style: chr5-52394449-A-C.
Other names: c.*470T>G (NM_176806.4); short protein forms W184G.
Identifiers: ClinVar variation 1062327 (VCV001062327.6), dbSNP rs747390142, ClinGen allele CA3263580.

ClinVar aggregate classification (germline): Uncertain significance. Review status: criteria provided, multiple submitters, no conflicts (2 of 4 stars). 2 submissions from 2 submitters: Uncertain significance (2). Last evaluated 2024-04-03.

Conditions:
Sulfite oxidase deficiency due to molybdenum cofactor deficiency type B1 (MOCODB1). Also called: MOLYBDENUM COFACTOR DEFICIENCY, TYPE B1; Molybdenum cofactor deficiency, complementation group B; Molybdenum cofactor deficiency B; Sulfite oxidase deficiency due to molybdenum cofactor deficiency type B. Identifiers: Orphanet 308393, Orphanet 833, MedGen C6065887, MONDO:0009644, OMIM 252160.

Allele frequency attached by ClinVar (database versions not stated): gnomAD exomes 0.00002; ExAC 0.00003; gnomAD 0.00003; TOPMed 0.00003.
gnomAD v4.1: 93 of 1,613,620 alleles (0.0058%); highest among the groups gnomAD compares: Non-Finnish European, 0.0073%; no homozygotes.

Submissions (2):

Fulgent Genetics
Classification: Uncertain significance for Sulfite oxidase deficiency due to molybdenum cofactor deficiency type B1. Last evaluated: 2024-04-03. Review status: criteria provided, single submitter. Criteria: ACMG Guidelines, 2015. Collection method: clinical testing. Allele origin: germline.

Labcorp Genetics (formerly Invitae), Labcorp
Classification: Uncertain significance. Last evaluated: 2024-03-18. Review status: criteria provided, single submitter. Criteria: Invitae Variant Classification Sherloc (09022015). Collection method: clinical testing. Allele origin: germline.
Comment: This sequence change replaces tryptophan, which is neutral and slightly polar, with glycine, which is neutral and non-polar, at codon 184 of the MOCS2B protein (p.Trp184Gly). This variant is present in population databases (rs747390142, gnomAD 0.004%). This variant has not been reported in the literature in individuals affected with MOCS2B-related conditions. ClinVar contains an entry for this variant (Variation ID: 1062327). An algorithm developed to predict the effect of missense changes on protein structure and function (PolyPhen-2) suggests that this variant¬†is likely to be tolerated. In summary, the available evidence is currently insufficient to determine the role of this variant in disease. Therefore, it has been classified as a Variant of Uncertain Significance.